The following is an entry in ClinVar:

NM_000053.4(ATP7B):c.2663C>T (p.Thr888Ile)

Gene: ATP7B (ATPase copper transporting beta; minus strand). Cytogenetic location: 13q14.3.
Variant type: single nucleotide variant.
Coding change: c.2663C>T on transcript NM_000053.4 (MANE Select); coding-DNA position 2663, C replaced by T.
Protein change: p.Thr888Ile; replaces threonine 888 with isoleucine.
Molecular consequence: missense variant.
Genome position (GRCh38, 1-based): chr13:51,950,074, G>A on the plus strand (C>T on the coding strand, the complement: ATP7B is on the minus strand). VCF-style: chr13-51950074-G-A. GRCh37 (hg19) VCF-style: chr13-52524210-G-A.
Other names: c.2177C>T, p.Thr726Ile (NM_001005918.3, NM_001406541.1, NM_001406542.1 and 1 more transcripts); c.2330C>T, p.Thr777Ile (NM_001243182.2); c.2429C>T, p.Thr810Ile (NM_001330578.2, NM_001406527.1, NM_001406528.1 and 2 more transcripts); c.2411C>T, p.Thr804Ile (NM_001330579.2, NM_001406531.1, NM_001406532.1 and 1 more transcripts); c.2663C>T, p.Thr888Ile (NM_001406511.1, NM_001406512.1, NM_001406513.1 and 7 more transcripts); c.2630C>T, p.Thr877Ile (NM_001406514.1); c.2423C>T, p.Thr808Ile (NM_001406530.1); c.2333C>T, p.Thr778Ile (NM_001406536.1); and 8 more; short protein forms T458I, T672I, T694I, T726I, T745I, T772I, T777I, T778I.
Identifiers: ClinVar variation 2417163 (VCV002417163.5), dbSNP rs935426164, ClinGen allele CA250085201.

ClinVar aggregate classification (germline): Likely pathogenic (1 of 4 stars; one submission).

Conditions:
Wilson disease (WND). Also called: Wilson's disease. Identifiers: Orphanet 905, MedGen C0019202, MONDO:0010200, OMIM 277900. Disease mechanism: loss of function.

Allele frequency attached by ClinVar (database versions not stated): gnomAD exomes 0.00001; TOPMed 0.00001; gnomAD 0.00002.
gnomAD v4.1: 13 of 1,614,056 alleles (0.00081%); highest among the groups gnomAD compares: Admixed American, 0.0017%; no homozygotes.

Submission:

Labcorp Genetics (formerly Invitae), Labcorp
Classification: Likely pathogenic for Wilson disease. Last evaluated: 2025-09-17. Review status: criteria provided, single submitter. Criteria: Invitae Variant Classification Sherloc (09022015). Collection method: clinical testing. Allele origin: germline.
Comment: This sequence change replaces threonine, which is neutral and polar, with isoleucine, which is neutral and non-polar, at codon 888 of the ATP7B protein (p.Thr888Ile). This variant is present in population databases (no rsID available, gnomAD 0.002%). This variant has not been reported in the literature in individuals affected with ATP7B-related conditions. ClinVar contains an entry for this variant (Variation ID: 2417163). Invitae Evidence Modeling of protein sequence and biophysical properties (such as structural, functional, and spatial information, amino acid conservation, physicochemical variation, residue mobility, and thermodynamic stability) indicates that this missense variant is expected to disrupt ATP7B protein function with a positive predictive value of 80%. This variant disrupts the p.Thr888 amino acid residue in ATP7B. Other variant(s) that disrupt this residue have been determined to be pathogenic (PMID: 23843956, 27398169). This suggests that this residue is clinically significant, and that variants that disrupt this residue are likely to be disease-causing. In summary, the currently available evidence indicates that the variant is pathogenic, but additional data are needed to prove that conclusively. Therefore, this variant has been classified as Likely Pathogenic.

Literature cited by the submitters: PubMed 23843956; PubMed 27398169.